The following is an entry in ClinVar:

ClinVar aggregate classification (germline): Uncertain significance (1 of 4 stars; one submission).

Conditions:
Kabuki syndrome 1 (KABUK1). Also called: KMT2D-Related Kabuki Syndrome. Identifiers: Orphanet 2322, MedGen CN030661, MONDO:0007843, OMIM 147920.

gnomAD v4.1: 4 of 1,611,824 alleles (0.00025%); highest among the groups gnomAD compares: Non-Finnish European, 0.00034%; no homozygotes.

Submission:

Victorian Clinical Genetics Services, Murdoch Childrens Research Institute
Classification: Uncertain significance for Kabuki syndrome 1. Last evaluated: 2021-05-06. Review status: criteria provided, single submitter. Criteria: ACMG Guidelines, 2015. Collection method: clinical testing. Allele origin: germline. Inheritance: Autosomal dominant inheritance. Affected: yes.
Comment: Based on the classification scheme VCGS_Germline_v1.3.4, this variant is classified as VUS-3C. Following criteria are met: 0102 - Loss of function is a known mechanism of disease in this gene and is associated with Kabuki syndrome 1 (MIM#147920) and holoprosencephaly (PMID: 31282990, PMID: 31846209), where missense variants, and those predicted to undergo nonsense-mediated decay, have been reported in patients with both conditions. (I) 0107 - This gene is associated with autosomal dominant disease. (I) 0200 - Variant is predicted to result in a missense amino acid change from proline to threonine. (I) 0251 - This variant is heterozygous. (I) 0301 - Variant is absent from gnomAD (both v2 and v3). (SP) 0309 - An alternative amino acid change at the same position has been observed in gnomAD (v3) (13 heterozygotes, 0 homozygotes). (I) 0503 - Missense variant consistently predicted to be tolerated by multiple in silico tools or not conserved in placental mammals with a minor amino acid change. (SB) 0604 - Variant is not located in an established domain, motif, hotspot or informative constraint region. (I) 0705 - No comparable missense variants have previous evidence for pathogenicity. (I) 0807 - This variant has no previous evidence of pathogenicity. (I) 0905 - No published segregation evidence has been identified for this variant. (I) 1007 - No published functional evidence has been identified for this variant. (I) 1208 - Inheritance information for this variant is not currently available in this individual. (I) Legend: (SP) - Supporting pathogenic, (I) - Information, (SB) - Supporting benign

Literature cited by the submitters: PubMed 31282990; PubMed 31846209.

NM_003482.4(KMT2D):c.10942C>A (p.Pro3648Thr)

Gene: KMT2D (lysine methyltransferase 2D; minus strand). Cytogenetic location: 12q13.12.
Variant type: single nucleotide variant.
Coding change: c.10942C>A on transcript NM_003482.4 (MANE Select); coding-DNA position 10942, C replaced by A.
Protein change: p.Pro3648Thr; replaces proline 3648 with threonine.
Molecular consequence: missense variant.
Genome position (GRCh38, 1-based): chr12:49,033,763, G>T on the plus strand (C>A on the coding strand, the complement: KMT2D is on the minus strand). VCF-style: chr12-49033763-G-T. GRCh37 (hg19) VCF-style: chr12-49427546-G-T.
Other names: short protein forms P3648T.
Identifiers: ClinVar variation 1699283 (VCV001699283.3), dbSNP rs777215324, ClinGen allele CA384724770.